The following is an entry in ClinVar:

NM_015340.4(LARS2):c.2405-24C>T

Gene: LARS2 (leucyl-tRNA synthetase 2, mitochondrial; plus strand). Cytogenetic location: 3p21.31.
Variant type: single nucleotide variant.
Coding change: c.2405-24C>T on transcript NM_015340.4 (MANE Select); 24 bases into the intron before coding-DNA position 2405, C replaced by T.
Molecular consequence: intron variant.
Genome position (GRCh38, 1-based): chr3:45,541,805, C>T. VCF-style: chr3-45541805-C-T. GRCh37 (hg19) VCF-style: chr3-45583297-C-T.
Other names: c.2405-24C>T (NM_001368263.1).
Identifiers: ClinVar variation 676145 (VCV000676145.2), dbSNP rs34191038, ClinGen allele CA2349884.

ClinVar aggregate classification (germline): Benign. Review status: criteria provided, multiple submitters, no conflicts (2 of 4 stars). 2 submissions from 2 submitters: Benign (2). Last evaluated 2018-06-14.

Allele frequency attached by ClinVar (database versions not stated): 1000 Genomes Project 30x 0.12742; 1000 Genomes Project 0.12919; TOPMed 0.14837; ESP Exome Variant Server 0.16208.
gnomAD v4.1: 263,075 of 1,612,684 alleles (16%); highest among the groups gnomAD compares: Middle Eastern, 18%; 22,303 homozygotes.

Submissions (2):

GeneDx
Classification: Benign. Last evaluated: 2018-06-14. Review status: criteria provided, single submitter. Criteria: GeneDx Variant Classification (06012015). Collection method: clinical testing. Allele origin: germline. Affected: yes.
Comment: This variant is considered likely benign or benign based on one or more of the following criteria: it is a conservative change, it occurs at a poorly conserved position in the protein, it is predicted to be benign by multiple in silico algorithms, and/or has population frequency not consistent with disease.

Breakthrough Genomics
Classification: Benign. Review status: criteria provided, single submitter. Criteria: ACMG Guidelines, 2015. Collection method: not provided. Allele origin: germline. Inheritance: Autosomal recessive inheritance. Affected: yes.